The following is an entry in ClinVar:

ClinVar aggregate classification (germline): Uncertain significance. Review status: criteria provided, multiple submitters, no conflicts (2 of 4 stars). 3 submissions from 3 submitters: Uncertain significance (3). Last evaluated 2024-11-18.

Conditions:
Neurodevelopmental disorder with dysmorphic facies and distal limb anomalies. Identifiers: Orphanet 686482, MedGen C4540327, MONDO:0060596, OMIM 617755.

Allele frequency attached by ClinVar (database versions not stated): TOPMed 0.00017.
gnomAD v4.1: 4 of 1,613,742 alleles (0.00025%); highest among the groups gnomAD compares: Admixed American, 0.0033%; no homozygotes.

Submissions (3):

Servicio de Genética Del Instituto Nacional de Salud Del Niño, Ministerio de Salud
Classification: Uncertain significance for Neurodevelopmental disorder with dysmorphic facies and distal limb anomalies. Last evaluated: 2024-11-18. Review status: criteria provided, single submitter. Criteria: ACMG Guidelines, 2015. Collection method: clinical testing. Allele origin: germline. Inheritance: Autosomal dominant inheritance.
Comment: The variant NM_182641.4:c.1625G>A results in the substitution of arginine with glutamine at position 542 in the protein. Arginine is a positively charged amino acid, while glutamine is neutral and polar. This substitution could potentially impact the protein's charge and stability. Based on PM2 (absence from controls or databases) and PP2 (observed in a gene with a known functional effect), this variant is classified as of uncertain significance.

GeneDx
Classification: Uncertain significance. Last evaluated: 2024-09-20. Review status: criteria provided, single submitter. Criteria: GeneDx Variant Classification Process June 2021. Collection method: clinical testing. Allele origin: germline. Affected: yes.
Comment: In silico analysis supports that this missense variant has a deleterious effect on protein structure/function; Has not been previously published as pathogenic or benign to our knowledge

Labcorp Genetics (formerly Invitae), Labcorp
Classification: Uncertain significance. Last evaluated: 2022-06-25. Review status: criteria provided, single submitter. Criteria: Invitae Variant Classification Sherloc (09022015). Collection method: clinical testing. Allele origin: germline.
Comment: Algorithms developed to predict the effect of missense changes on protein structure and function are either unavailable or do not agree on the potential impact of this missense change (SIFT: "Tolerated"; PolyPhen-2: "Possibly Damaging"; Align-GVGD: "Class C0"). In summary, the available evidence is currently insufficient to determine the role of this variant in disease. Therefore, it has been classified as a Variant of Uncertain Significance. This variant has not been reported in the literature in individuals affected with BPTF-related conditions. The frequency data for this variant in the population databases is considered unreliable, as metrics indicate poor data quality at this position in the gnomAD database. This sequence change replaces arginine, which is basic and polar, with glutamine, which is neutral and polar, at codon 542 of the BPTF protein (p.Arg542Gln).

NM_182641.4(BPTF):c.1625G>A (p.Arg542Gln)

Gene: BPTF (bromodomain PHD finger transcription factor; plus strand). Cytogenetic location: 17q24.2.
Variant type: single nucleotide variant.
Coding change: c.1625G>A on transcript NM_182641.4 (MANE Select); coding-DNA position 1625, G replaced by A.
Protein change: p.Arg542Gln; replaces arginine 542 with glutamine.
Molecular consequence: missense variant.
Genome position (GRCh38, 1-based): chr17:67,866,652, G>A. VCF-style: chr17-67866652-G-A. GRCh37 (hg19) VCF-style: chr17-65862768-G-A.
Other names: c.1625G>A, p.Arg542Gln (NM_004459.7); c.1625G>A (NM_004459.6); short protein forms R542Q.
Identifiers: ClinVar variation 1916285 (VCV001916285.7), dbSNP rs200596839, ClinGen allele CA8725168.